The following is an entry in ClinVar:

NM_000275.3(OCA2):c.583A>G (p.Ser195Gly)

Gene: OCA2 (OCA2 melanosomal transmembrane protein; minus strand). Cytogenetic location: 15q13.1.
Variant type: single nucleotide variant.
Coding change: c.583A>G on transcript NM_000275.3 (MANE Select); coding-DNA position 583, A replaced by G.
Protein change: p.Ser195Gly; replaces serine 195 with glycine.
Molecular consequence: missense variant.
Genome position (GRCh38, 1-based): chr15:28,022,564, T>C on the plus strand (A>G on the coding strand, the complement: OCA2 is on the minus strand). VCF-style: chr15-28022564-T-C. GRCh37 (hg19) VCF-style: chr15-28267710-T-C.
Other names: c.583A>G, p.Ser195Gly (NM_001300984.2); short protein forms S195G.
Identifiers: ClinVar variation 627599 (VCV000627599.8), dbSNP rs767092342, ClinGen allele CA7439417.

ClinVar aggregate classification (germline): Pathogenic/Likely pathogenic. Review status: criteria provided, multiple submitters, no conflicts (2 of 4 stars). 5 submissions from 5 submitters: Pathogenic (2); Likely pathogenic (2). 1 of the submissions does not count toward it. Last evaluated 2026-01-05.

Conditions:
Tyrosinase-positive oculocutaneous albinism (OCA2). Also called: Albinism, oculocutaneous, type II; ALBINISM II; Oculocutaneous albinism type 2. Identifiers: Orphanet 79432, MedGen C0268495, MONDO:0008746, OMIM 203200.
SKIN/HAIR/EYE PIGMENTATION 1, BLUE/NONBLUE EYES (SHEP1). Also called: SKIN/HAIR/EYE PIGMENTATION 1, BLOND/BROWN HAIR; SKIN/HAIR/EYE PIGMENTATION 1, BLUE/BROWN EYES; BROWN EYE COLOR 2; EYE COLOR 3; EYE COLOR, BLUE/NONBLUE; EYE COLOR, BROWN/BLUE. Identifiers: MedGen C1856895, OMIM 227220.

Allele frequency attached by ClinVar (database versions not stated): ExAC 0.00001; gnomAD 0.00001; TOPMed 0.00001; gnomAD exomes 0.00002.
gnomAD v4.1: 25 of 1,613,308 alleles (0.0015%); highest among the groups gnomAD compares: East Asian, 0.011%; no homozygotes.

Submissions (5):

Labcorp Genetics (formerly Invitae), Labcorp
Classification: Pathogenic. Last evaluated: 2026-01-05. Review status: criteria provided, single submitter. Criteria: Invitae Variant Classification Sherloc (09022015). Collection method: clinical testing. Allele origin: germline.
Comment: This sequence change replaces serine, which is neutral and polar, with glycine, which is neutral and non-polar, at codon 195 of the OCA2 protein (p.Ser195Gly). This variant is present in population databases (rs767092342, gnomAD 0.02%). This missense change has been observed in individual(s) with oculocutaneous albinism (PMID: 31229681, 35488210). In at least one individual the data is consistent with being in trans (on the opposite chromosome) from a pathogenic variant. ClinVar contains an entry for this variant (Variation ID: 627599). Invitae Evidence Modeling of protein sequence and biophysical properties (such as structural, functional, and spatial information, amino acid conservation, physicochemical variation, residue mobility, and thermodynamic stability) indicates that this missense variant is not expected to disrupt OCA2 protein function with a negative predictive value of 80%. For these reasons, this variant has been classified as Pathogenic.

Myriad Genetics, Inc.
Classification: Likely pathogenic for Tyrosinase-positive oculocutaneous albinism. Last evaluated: 2025-06-30. Review status: criteria provided, single submitter. Criteria: Myriad Autosomal Dominant, Autosomal Recessive and X-Linked Classification Criteria (2023). Collection method: clinical testing. Allele origin: unknown.
Comment: NM_000275.2(OCA2):c.583A>G(S195G) is a missense variant classified as likely pathogenic in the context of oculocutaneous albinism, OCA2-related. S195G has been observed in cases with relevant disease (PMID: 31229681, 35488210). Relevant functional assessments of this variant are available in the literature (PMID: 39636647). S195G has been observed in referenced population frequency databases. In summary, NM_000275.2(OCA2):c.583A>G(S195G) is a missense variant that has functional support for pathogenicity and has been observed more frequently in cases with the relevant disease than in healthy populations. Please note: this variant was assessed in the context of healthy population screening.

Baylor Genetics
Classification: Pathogenic for SKIN/HAIR/EYE PIGMENTATION 1, BLUE/NONBLUE EYES. Last evaluated: 2023-12-06. Review status: criteria provided, single submitter. Criteria: ACMG Guidelines, 2015. Collection method: clinical testing. Allele origin: unknown.

Juno Genomics, Hangzhou Juno Genomics, Inc
Classification: Likely pathogenic for Tyrosinase-positive oculocutaneous albinism. Review status: criteria provided, single submitter. Criteria: ACMG Guidelines, 2015. Collection method: clinical testing. Allele origin: germline.
Comment: Absent from controls (or at extremely low frequency if recessive) in Genome Aggregation Database.;For recessive disorders, detected in trans with a pathogenic variant.;Patient's phenotype or family history is highly specific for a disease with a single genetic etiology.

Center of Medical Genetics, Central South University
Classification: Likely pathogenic for Tyrosinase-positive oculocutaneous albinism. Last evaluated: 2019-03-26. Review status: no assertion criteria provided. Criteria: ACMG Guidelines, 2015. Collection method: clinical testing. Allele origin: germline. Affected: yes. Not counted in ClinVar's aggregate classification.

Literature cited by the submitters: PubMed 31229681 (cited by Labcorp Genetics (formerly Invitae), Labcorp and Myriad Genetics, Inc.); PubMed 35488210 (cited by Labcorp Genetics (formerly Invitae), Labcorp and Myriad Genetics, Inc.); PubMed 39636647 (cited by Myriad Genetics, Inc.).